The following is an entry in ClinVar:

ClinVar aggregate classification (germline): Uncertain significance (1 of 4 stars; one submission).

Conditions:
Hereditary cancer-predisposing syndrome. Also called: Hereditary neoplastic syndrome; Tumor predisposition; Hereditary Cancer Syndrome; Neoplastic Syndromes, Hereditary. Identifiers: Orphanet 140162, MedGen C0027672, MeSH D009386, MONDO:0015356.

Submission:

Ambry Genetics
Classification: Uncertain significance for Hereditary cancer-predisposing syndrome. Last evaluated: 2023-08-11. Review status: criteria provided, single submitter. Criteria: Ambry Variant Classification Scheme 2023. Collection method: clinical testing. Allele origin: germline.
Comment: The p.P265A variant (also known as c.793C>G), located in coding exon 8 of the CDC73 gene, results from a C to G substitution at nucleotide position 793. The proline at codon 265 is replaced by alanine, an amino acid with highly similar properties. This amino acid position is conserved. In addition, this alteration is predicted to be tolerated by in silico analysis. Since supporting evidence is limited at this time, the clinical significance of this alteration remains unclear.

NM_024529.5(CDC73):c.793C>G (p.Pro265Ala)

Gene: CDC73 (cell division cycle 73; plus strand). Cytogenetic location: 1q31.2.
Variant type: single nucleotide variant.
Coding change: c.793C>G on transcript NM_024529.5 (MANE Select); coding-DNA position 793, C replaced by G.
Protein change: p.Pro265Ala; replaces proline 265 with alanine.
Molecular consequence: missense variant.
Genome position (GRCh38, 1-based): chr1:193,147,930, C>G. VCF-style: chr1-193147930-C-G. GRCh37 (hg19) VCF-style: chr1-193117060-C-G.
Other names: short protein forms P265A.
Identifiers: ClinVar variation 2585778 (VCV002585778.2), dbSNP rs2527336863, ClinGen allele CA343964086.